The following is an entry in ClinVar:

ClinVar aggregate classification (germline): Likely pathogenic. Review status: criteria provided, multiple submitters, no conflicts (2 of 4 stars). 2 submissions from 2 submitters: Likely pathogenic (2). Last evaluated 2024-07-25.

Conditions:
Familial thoracic aortic aneurysm and aortic dissection (TAAD). Also called: Thoracic aortic aneurysms and dissections. Identifiers: Orphanet 91387, MedGen C4707243, MONDO:0019625.
Marfan syndrome (MFS). Also called: FBN1-Related Marfan Syndrome; Marfan syndrome type 1; Marfan's syndrome; Marfan syndrome, classic; MARFAN SYNDROME, TYPE I. Identifiers: Orphanet 284963, Orphanet 558, MedGen C0024796, MONDO:0007947, OMIM 154700.
FBN1-related disorder. Also called: FBN1-related disorders.

Submissions (2):

Blueprint Genetics
Classification: Likely pathogenic for FBN1-related disorders. Last evaluated: 2024-07-25. Review status: criteria provided, single submitter. Criteria: ACMG Guidelines, 2015. Collection method: clinical testing. Allele origin: germline. Affected: yes. Observed: 1 variant allele.

Labcorp Genetics (formerly Invitae), Labcorp
Classification: Likely pathogenic for Marfan syndrome; Familial thoracic aortic aneurysm and aortic dissection. Last evaluated: 2018-12-28. Review status: criteria provided, single submitter. Criteria: Invitae Variant Classification Sherloc (09022015). Collection method: clinical testing. Allele origin: germline.
Comment: This sequence change replaces cysteine with phenylalanine at codon 2459 of the FBN1 protein (p.Cys2459Phe). The cysteine residue is highly conserved and there is a large physicochemical difference between cysteine and phenylalanine. This variant is not present in population databases (ExAC no frequency). This variant has not been reported in the literature in individuals with FBN1-related conditions. Algorithms developed to predict the effect of missense changes on protein structure and function are either unavailable or do not agree on the potential impact of this missense change (SIFT: "Deleterious"; PolyPhen-2: "Probably Damaging"; Align-GVGD: "Class C0"). This variant affects a cysteine residue in the EGF-like, TGFBP or hybrid motif domains of FBN1. Cysteine residues are believed to be involved in intramolecular disulfide bridges and have been shown to be important for FBN1 protein structure (PMID: 16905551, 19349279). In addition, missense substitutions affecting cysteine residues within these domains are significantly overrepresented among patients with Marfan syndrome (PMID: 16571647, 17701892). In summary, the currently available evidence indicates that the variant is pathogenic, but additional data are needed to prove that conclusively. Therefore, this variant has been classified as Likely Pathogenic.

Literature cited by the submitters: PubMed 17701892 (cited by Labcorp Genetics (formerly Invitae), Labcorp); PubMed 16905551 (cited by Labcorp Genetics (formerly Invitae), Labcorp); PubMed 16571647 (cited by Labcorp Genetics (formerly Invitae), Labcorp); PubMed 19349279 (cited by Labcorp Genetics (formerly Invitae), Labcorp).

NM_000138.5(FBN1):c.7376G>T (p.Cys2459Phe)

Gene: FBN1 (fibrillin 1; minus strand). Cytogenetic location: 15q21.1.
Variant type: single nucleotide variant.
Coding change: c.7376G>T on transcript NM_000138.5 (MANE Select); coding-DNA position 7376, G replaced by T.
Protein change: p.Cys2459Phe; replaces cysteine 2459 with phenylalanine.
Molecular consequence: missense variant.
Genome position (GRCh38, 1-based): chr15:48,425,446, C>A on the plus strand (G>T on the coding strand, the complement: FBN1 is on the minus strand). VCF-style: chr15-48425446-C-A. GRCh37 (hg19) VCF-style: chr15-48717643-C-A.
Other names: short protein forms C2459F.
Identifiers: ClinVar variation 664702 (VCV000664702.2), dbSNP rs1555394406, ClinGen allele CA392327893.